The following is an entry in ClinVar:

ClinVar aggregate classification (germline): Likely benign (1 of 4 stars; one submission).

gnomAD v4.1: 6 of 152,046 alleles (0.0039%); highest among the groups gnomAD compares: African/African-American, 0.014%; no homozygotes.

Submission:

Dasa
Classification: Likely benign. Last evaluated: 2026-02-19. Review status: criteria provided, single submitter. Criteria: DASA Assertion Criteria. Collection method: clinical testing. Allele origin: germline.
Comment: NM_000130.5(F5):c.730+333C>T is an intronic variant. The variant context is inconsistent with a known disease-causing mechanism. Computational prediction algorithms are consistent with a benign effect. Therefore, based on the currently available evidence, this variant is classified as likely benign.

NM_000130.5(F5):c.730+333C>T

Gene: F5 (coagulation factor V; minus strand). Cytogenetic location: 1q24.2.
Variant type: single nucleotide variant.
Coding change: c.730+333C>T on transcript NM_000130.5 (MANE Select); 333 bases into the intron after coding-DNA position 730, C replaced by T.
Molecular consequence: intron variant.
Genome position (GRCh38, 1-based): chr1:169,558,820, G>A on the plus strand (C>T on the coding strand, the complement: F5 is on the minus strand). VCF-style: chr1-169558820-G-A. GRCh37 (hg19) VCF-style: chr1-169528058-G-A.
Identifiers: ClinVar variation 4886385 (VCV004886385.2).